The following is an entry in ClinVar:

NM_005612.5(REST):c.2873A>C (p.Asn958Thr)

Gene: REST (RE1 silencing transcription factor; plus strand). Cytogenetic location: 4q12.
Variant type: single nucleotide variant.
Coding change: c.2873A>C on transcript NM_005612.5 (MANE Select); coding-DNA position 2873, A replaced by C.
Protein change: p.Asn958Thr; replaces asparagine 958 with threonine.
Molecular consequence: missense variant.
Genome position (GRCh38, 1-based): chr4:56,931,731, A>C. VCF-style: chr4-56931731-A-C. GRCh37 (hg19) VCF-style: chr4-57797897-A-C.
Other names: c.2873A>C, p.Asn958Thr (NM_001193508.2, NM_001363453.3); short protein forms N958T.
Identifiers: ClinVar variation 851102 (VCV000851102.10), dbSNP rs751959764, ClinGen allele CA2932571.

ClinVar aggregate classification (germline): Uncertain significance. Review status: criteria provided, multiple submitters, no conflicts (2 of 4 stars). 2 submissions from 2 submitters: Uncertain significance (2). Last evaluated 2024-10-07.

Conditions:
Inborn genetic diseases. Identifiers: MedGen C0950123, MeSH D030342.

Allele frequency attached by ClinVar (database versions not stated): ExAC 0.00001; gnomAD exomes 0.00001 and 0.00003; gnomAD 0.00002; TOPMed 0.00004.
gnomAD v4.1: 27 of 1,614,138 alleles (0.0017%); highest among the groups gnomAD compares: Admixed American, 0.0083%; no homozygotes.

Submissions (2):

Labcorp Genetics (formerly Invitae), Labcorp
Classification: Uncertain significance. Last evaluated: 2024-10-07. Review status: criteria provided, single submitter. Criteria: Invitae Variant Classification Sherloc (09022015). Collection method: clinical testing. Allele origin: germline.
Comment: This sequence change replaces asparagine, which is neutral and polar, with threonine, which is neutral and polar, at codon 958 of the REST protein (p.Asn958Thr). This variant is present in population databases (rs751959764, gnomAD 0.006%). This variant has not been reported in the literature in individuals affected with REST-related conditions. ClinVar contains an entry for this variant (Variation ID: 851102). An algorithm developed to predict the effect of missense changes on protein structure and function outputs the following: PolyPhen-2: "Benign". The threonine amino acid residue is found in multiple mammalian species, which suggests that this missense change does not adversely affect protein function. In summary, the available evidence is currently insufficient to determine the role of this variant in disease. Therefore, it has been classified as a Variant of Uncertain Significance.

Ambry Genetics
Classification: Uncertain significance for Inborn genetic diseases. Last evaluated: 2022-06-21. Review status: criteria provided, single submitter. Criteria: Ambry Variant Classification Scheme 2023. Collection method: clinical testing. Allele origin: germline.